The following is an entry in ClinVar:

ClinVar aggregate classification (germline): Uncertain significance (1 of 4 stars; one submission).

Submission:

Ambry Genetics
Classification: Uncertain significance. Last evaluated: 2025-06-19. Review status: criteria provided, single submitter. Criteria: Ambry Variant Classification Scheme 2023. Collection method: clinical testing. Allele origin: germline.
Comment: The p.H28N variant (also known as c.82C>A), located in coding exon 1 of the ATRIP gene, results from a C to A substitution at nucleotide position 82. The histidine at codon 28 is replaced by asparagine, an amino acid with similar properties. This amino acid position is conserved. In addition, this alteration is predicted to be tolerated by in silico analysis. Based on the available evidence, the clinical significance of this variant remains unclear.

NM_130384.3(ATRIP):c.82C>A (p.His28Asn)

Genes: ATRIP (ATR interacting protein; plus strand), ATRIP-TREX1 (ATRIP-TREX1 readthrough; plus strand), LOC129936703 (ATAC-STARR-seq lymphoblastoid silent region 14331; plus strand). Cytogenetic location: 3p21.31.
Variant type: single nucleotide variant.
Coding change: c.82C>A on transcript NM_130384.3 (MANE Select); coding-DNA position 82, C replaced by A.
Protein change: p.His28Asn; replaces histidine 28 with asparagine.
Molecular consequence: missense variant. On other transcripts: non-coding transcript variant (1), intron variant (1).
Genome position (GRCh38, 1-based): chr3:48,446,927, C>A. VCF-style: chr3-48446927-C-A. GRCh37 (hg19) VCF-style: chr3-48488331-C-A.
Other names: c.82C>A, p.His28Asn (NM_032166.4); c.-218+128C>A (NM_001271022.2); short protein forms H28N.
Identifiers: ClinVar variation 4181829 (VCV004181829.1).